The following is an entry in ClinVar:

NM_014014.5(SNRNP200):c.1811C>T (p.Thr604Ile)

Gene: SNRNP200 (small nuclear ribonucleoprotein U5 subunit 200; minus strand). Cytogenetic location: 2q11.2.
Variant type: single nucleotide variant.
Coding change: c.1811C>T on transcript NM_014014.5 (MANE Select); coding-DNA position 1811, C replaced by T.
Protein change: p.Thr604Ile; replaces threonine 604 with isoleucine.
Molecular consequence: missense variant.
Genome position (GRCh38, 1-based): chr2:96,295,519, G>A on the plus strand (C>T on the coding strand, the complement: SNRNP200 is on the minus strand). VCF-style: chr2-96295519-G-A. GRCh37 (hg19) VCF-style: chr2-96961257-G-A.
Other names: short protein forms T604I.
Identifiers: ClinVar variation 4807316 (VCV004807316.1).

ClinVar aggregate classification (germline): Uncertain significance (1 of 4 stars; one submission).

gnomAD v4.1: 4 of 1,613,820 alleles (0.00025%); highest among the groups gnomAD compares: South Asian, 0.0011%; no homozygotes.

Submission:

Labcorp Genetics (formerly Invitae), Labcorp
Classification: Uncertain significance. Last evaluated: 2025-11-18. Review status: criteria provided, single submitter. Criteria: Invitae Variant Classification Sherloc (09022015). Collection method: clinical testing. Allele origin: germline.
Comment: This sequence change replaces threonine, which is neutral and polar, with isoleucine, which is neutral and non-polar, at codon 604 of the SNRNP200 protein (p.Thr604Ile). This variant is not present in population databases (gnomAD no frequency). This variant has not been reported in the literature in individuals affected with SNRNP200-related conditions. Invitae Evidence Modeling of protein sequence and biophysical properties (such as structural, functional, and spatial information, amino acid conservation, physicochemical variation, residue mobility, and thermodynamic stability) indicates that this missense variant is not expected to disrupt SNRNP200 protein function with a negative predictive value of 95%. In summary, the available evidence is currently insufficient to determine the role of this variant in disease. Therefore, it has been classified as a Variant of Uncertain Significance.